The following is an entry in ClinVar:

ClinVar aggregate classification (germline): Conflicting classifications of pathogenicity. Review status: criteria provided, conflicting classifications (1 of 4 stars). 3 submissions from 3 submitters: Uncertain significance (2); Likely benign (1). Last evaluated 2026-07-02.

Conditions:
Inborn genetic diseases. Identifiers: MedGen C0950123, MeSH D030342.
Intellectual developmental disorder, autosomal dominant 1. Also called: MBD5 Haploinsufficiency; Intellectual disability, autosomal dominant 1. Identifiers: Orphanet 228402, MedGen C1969562, MONDO:0007974, OMIM 156200.

Allele frequency attached by ClinVar (database versions not stated): gnomAD exomes below 0.00001.
gnomAD v4.1: 4 of 1,613,898 alleles (0.00025%); highest among the groups gnomAD compares: Non-Finnish European, 0.00034%; no homozygotes.

Submissions (3):

Ambry Genetics
Classification: Likely benign for Inborn genetic diseases. Last evaluated: 2026-07-02. Review status: criteria provided, single submitter. Criteria: Ambry Variant Classification Scheme 2023. Collection method: clinical testing. Allele origin: germline.

Labcorp Genetics (formerly Invitae), Labcorp
Classification: Uncertain significance for Intellectual developmental disorder, autosomal dominant 1. Last evaluated: 2025-06-23. Review status: criteria provided, single submitter. Criteria: Invitae Variant Classification Sherloc (09022015). Collection method: clinical testing. Allele origin: germline.
Comment: This sequence change replaces serine, which is neutral and polar, with alanine, which is neutral and non-polar, at codon 707 of the MBD5 protein (p.Ser707Ala). This variant is present in population databases (no rsID available, gnomAD 0.0009%). This variant has not been reported in the literature in individuals affected with MBD5-related conditions. ClinVar contains an entry for this variant (Variation ID: 1304043). Invitae Evidence Modeling of protein sequence and biophysical properties (such as structural, functional, and spatial information, amino acid conservation, physicochemical variation, residue mobility, and thermodynamic stability) indicates that this missense variant is not expected to disrupt MBD5 protein function with a negative predictive value of 80%. In summary, the available evidence is currently insufficient to determine the role of this variant in disease. Therefore, it has been classified as a Variant of Uncertain Significance.

GeneDx
Classification: Uncertain significance. Last evaluated: 2020-02-03. Review status: criteria provided, single submitter. Criteria: GeneDx Variant Classification Process June 2021. Collection method: clinical testing. Allele origin: germline. Affected: yes.
Comment: Not observed at a significant frequency in large population cohorts (Lek et al., 2016); In silico analysis supports that this missense variant does not alter protein structure/function; Has not been previously published as pathogenic or benign to our knowledge

NM_001378120.1(MBD5):c.2119T>G (p.Ser707Ala)

Gene: MBD5 (methyl-CpG binding domain protein 5; plus strand). Cytogenetic location: 2q23.1.
Variant type: single nucleotide variant.
Coding change: c.2119T>G on transcript NM_001378120.1 (MANE Select); coding-DNA position 2119, T replaced by G.
Protein change: p.Ser707Ala; replaces serine 707 with alanine.
Molecular consequence: missense variant.
Genome position (GRCh38, 1-based): chr2:148,470,062, T>G. VCF-style: chr2-148470062-T-G. GRCh37 (hg19) VCF-style: chr2-149227631-T-G.
Other names: c.2119T>G, p.Ser707Ala (NM_018328.5); short protein forms S707A.
Identifiers: ClinVar variation 1304043 (VCV001304043.6), dbSNP rs1394309796, ClinGen allele CA348721156.
Genomic context (GRCh38, chr2:148,470,062, plus strand): 5'-TTGCTAAGGAAGCAGGGTCAGGGTTCATTTCCCATCAGTTCAATGTCTCAGTTACTACAG[T>G]CTATGAGTTGTCAAAGCTCTCACTTGAGTAGCAATAGTACCCCGGGTTGTGGGGCCTCAA-3'
Protein context (NP_001365049.1, residues 697-717): PISSMSQLLQ[Ser707Ala]MSCQSSHLSS